The following is an entry in ClinVar:

ClinVar aggregate classification (germline): Likely benign (1 of 4 stars; one submission).

Conditions:
SEMA3F-related disorder. Also called: SEMA3F-related condition.

gnomAD v4.1: 5 of 1,613,368 alleles (0.00031%); highest among the groups gnomAD compares: African/African-American, 0.0067%; no homozygotes.

Submission:

PreventionGenetics, part of Exact Sciences
Classification: Likely benign for SEMA3F-related condition. Last evaluated: 2025-04-08. Review status: criteria provided, single submitter. Criteria: ACMG Guidelines, 2015. Collection method: clinical testing. Allele origin: germline.
Comment: This variant is classified as likely benign based on ACMG/AMP sequence variant interpretation guidelines (Richards et al. 2015 PMID: 25741868, with internal and published modifications).

NM_004186.5(SEMA3F):c.570G>A (p.Glu190=)

Gene: SEMA3F (semaphorin 3F; plus strand). Cytogenetic location: 3p21.31.
Variant type: single nucleotide variant.
Coding change: c.570G>A on transcript NM_004186.5 (MANE Select); coding-DNA position 570, G replaced by A.
Protein change: p.Glu190=; no amino-acid change (glutamic acid 190 retained).
Molecular consequence: synonymous variant.
Genome position (GRCh38, 1-based): chr3:50,176,788, G>A. VCF-style: chr3-50176788-G-A. GRCh37 (hg19) VCF-style: chr3-50214221-G-A.
Other names: c.273G>A, p.Glu91= (NM_001318798.2); c.477G>A, p.Glu159= (NM_001318800.2).
Identifiers: ClinVar variation 4990561 (VCV004990561.1).